The following is an entry in ClinVar:

ClinVar aggregate classification (germline): Uncertain significance (1 of 4 stars; one submission).

Submission:

Ambry Genetics
Classification: Uncertain significance. Last evaluated: 2025-02-14. Review status: criteria provided, single submitter. Criteria: Ambry Variant Classification Scheme 2023. Collection method: clinical testing. Allele origin: germline.
Comment: The p.G1660V variant (also known as c.4979G>T), located in coding exon 21 of the WNK2 gene, results from a G to T substitution at nucleotide position 4979. The glycine at codon 1660 is replaced by valine, an amino acid with dissimilar properties. This amino acid position is conserved. In addition, this alteration is predicted to be tolerated by in silico analysis. Based on the available evidence, the clinical significance of this variant remains unclear.

NM_006648.4(WNK2):c.4979G>T (p.Gly1660Val)

Gene: WNK2 (WNK lysine deficient protein kinase 2; plus strand). Cytogenetic location: 9q22.31.
Variant type: single nucleotide variant.
Coding change: c.4979G>T on transcript NM_006648.4 (MANE Select); coding-DNA position 4979, G replaced by T.
Protein change: p.Gly1660Val; replaces glycine 1660 with valine.
Molecular consequence: missense variant.
Genome position (GRCh38, 1-based): chr9:93,292,350, G>T. VCF-style: chr9-93292350-G-T. GRCh37 (hg19) VCF-style: chr9-96054632-G-T.
Other names: c.5090G>T, p.Gly1697Val (NM_001282394.3); short protein forms G1660V, G1697V.
Identifiers: ClinVar variation 3817077 (VCV003817077.1).